The following is an entry in ClinVar:

ClinVar aggregate classification (germline): Uncertain significance. Review status: criteria provided, multiple submitters, no conflicts (2 of 4 stars). 2 submissions from 2 submitters: Uncertain significance (2). Last evaluated 2024-09-21.

Conditions:
Hereditary cancer-predisposing syndrome. Also called: Tumor predisposition; Hereditary neoplastic syndrome; Neoplastic Syndromes, Hereditary; Hereditary Cancer Syndrome. Identifiers: Orphanet 140162, MedGen C0027672, MeSH D009386, MONDO:0015356.

Allele frequency attached by ClinVar (database versions not stated): gnomAD 0.00001.

Submissions (2):

Ambry Genetics
Classification: Uncertain significance for Hereditary cancer-predisposing syndrome. Last evaluated: 2024-09-21. Review status: criteria provided, single submitter. Criteria: Ambry Variant Classification Scheme 2023. Collection method: clinical testing. Allele origin: germline.
Comment: The p.M1? variant (also known as c.2T>C) is located in coding exon 1 of the NTHL1 gene and results from a T to C substitution at nucleotide position 2. This alters the methionine residue at the initiation codon. A p.M1? variant has been identified in conjunction with a pathogenic NTHL1 variant (p.Q90*) in at least one individual with no reported features of NTHL1-related adenomatous polyposis (Weatherill CB et al. Clin Genet, 2023 Feb;103:231-235). Variations that modify the initiation codon (ATG) are expected to result in either loss of translation initiation, N-terminal truncation, or cause a shift in the mRNA reading frame; however, there is an in-frame methionine 8 amino acids from the initiation site, which may result in N-terminal truncation of unknown functional significance. Since supporting evidence is limited at this time, the clinical significance of this alteration remains unclear.

Labcorp Genetics (formerly Invitae), Labcorp
Classification: Uncertain significance. Last evaluated: 2018-10-15. Review status: criteria provided, single submitter. Criteria: Invitae Variant Classification Sherloc (09022015). Collection method: clinical testing. Allele origin: germline.
Comment: In summary, the available evidence is currently insufficient to determine the role of this variant in disease. Therefore, it has been classified as a Variant of Uncertain Significance. This sequence change affects the initiator methionine of the NTHL1 mRNA. The next in-frame methionine is located at codon 9. This variant is not present in population databases (ExAC no frequency). This variant has not been reported in the literature in individuals with NTHL1-related disease. Experimental studies and prediction algorithms are not available for this variant, and the functional significance of this non-coding change is currently unknown.

Literature cited by the submitters: PubMed 36196035 (cited by Ambry Genetics).

NM_002528.6(NTHL1):c.2T>C (p.Met1Thr)

Genes: NTHL1 (nth like DNA glycosylase 1; minus strand), LOC130058209 (ATAC-STARR-seq lymphoblastoid active region 10253; plus strand). Cytogenetic location: 16p13.3.
Variant type: single nucleotide variant.
Coding change: c.2T>C on transcript NM_002528.6; coding-DNA position 2, T replaced by C.
Protein change: p.Met1Thr; changes the start codon (methionine 1).
Genome position (GRCh38, 1-based): chr16:2,047,846, A>G on the plus strand (T>C on the coding strand, the complement: NTHL1 is on the minus strand). VCF-style: chr16-2047846-A-G. GRCh37 (hg19) VCF-style: chr16-2097847-A-G.
Other names: c.2T>C (NM_002528.5); short protein forms M1T.
Identifiers: ClinVar variation 640779 (VCV000640779.10), dbSNP rs2084534027, ClinGen allele CA394298942.